The following is an entry in ClinVar:

ClinVar aggregate classification (germline): Pathogenic/Likely pathogenic. Review status: criteria provided, multiple submitters, no conflicts (2 of 4 stars). 5 submissions from 5 submitters: Pathogenic (3); Likely pathogenic (1). 1 of the submissions does not count toward it. Last evaluated 2025-02-06.

Conditions:
Autosomal dominant centronuclear myopathy. Also called: Myopathy, centronuclear, 3; MYOTUBULAR MYOPATHY, AUTOSOMAL DOMINANT. Identifiers: Orphanet 169189, MedGen C4551952, MeSH D020914, MONDO:0008048, OMIM 160150.
Charcot-Marie-Tooth disease dominant intermediate B (CMTDIB). Also called: Charcot-Marie-Tooth disease dominant intermediate 1; CMT DI1; Charcot-Marie-Tooth disease dominant intermediate I; CHARCOT-MARIE-TOOTH NEUROPATHY, DOMINANT INTERMEDIATE B. Identifiers: Orphanet 100044, Orphanet 228179, MedGen C1847902, MONDO:0011674, OMIM 606482.
Centronuclear myopathy (CNM). Also called: Myotubular myopathy; Centronuclear myopathy, congenital. Identifiers: Orphanet 595, MedGen C0175709, MONDO:0018947. Inheritance: All.

Submissions (5):

Labcorp Genetics (formerly Invitae), Labcorp
Classification: Pathogenic for Charcot-Marie-Tooth disease dominant intermediate B. Last evaluated: 2025-02-06. Review status: criteria provided, single submitter. Criteria: Invitae Variant Classification Sherloc (09022015). Collection method: clinical testing. Allele origin: germline.
Comment: This sequence change replaces proline, which is neutral and non-polar, with arginine, which is basic and polar, at codon 627 of the DNM2 protein (p.Pro627Arg). This variant is not present in population databases (gnomAD no frequency). This missense change has been observed in individual(s) with centronuclear myopathy (PMID: 22396310, 23394783, 36324371; internal data). In at least one individual the variant was observed to be de novo. ClinVar contains an entry for this variant (Variation ID: 158520). Invitae Evidence Modeling of protein sequence and biophysical properties (such as structural, functional, and spatial information, amino acid conservation, physicochemical variation, residue mobility, and thermodynamic stability) indicates that this missense variant is expected to disrupt DNM2 protein function with a positive predictive value of 80%. For these reasons, this variant has been classified as Pathogenic.

Laboratory of Medical Genetics, National & Kapodistrian University of Athens
Classification: Pathogenic for Autosomal dominant centronuclear myopathy. Last evaluated: 2022-09-21. Review status: criteria provided, single submitter. Criteria: ACMG Guidelines, 2015. Collection method: clinical testing. Allele origin: germline. Affected: yes.
Comment: PM1, PM2, PM5, PP3, PP5

GeneDx
Classification: Pathogenic. Last evaluated: 2016-08-17. Review status: criteria provided, single submitter. Criteria: GeneDx Variant Classification (06012015). Collection method: clinical testing. Allele origin: germline. Affected: yes.
Comment: The P627R mutation in the DNM2 gene has been reported previously in an affected mother and daughter who had childhood-onset centronuclear myopathy (CNM). They both had walking difficulties, reduced vital capacity, diffuse muscle weakness, and facial weakness (Bohm et al., 2012). Additionally, another missense mutation at the same position (P627H) and multiple missense mutations in nearby residues (A618T/D, S619L/W, L621P) have been reported in the Human Gene Mutation Database in association with CNM (Stenson et al., 2014). The P627R mutation is a non-conservative amino acid substitution that alters a highly conserved residue predicted to be within the linker domain between the pleckstrin homology (PH) domain and GTPase effector domain (GED) (Bohm et al., 2012). Therefore, the presence of the P672R mutation is consistent with a diagnosis of centronuclear myopathy

Genetic Services Laboratory, University of Chicago
Classification: Likely pathogenic for Myopathy, centronuclear. Last evaluated: 2013-02-08. Review status: criteria provided, single submitter. Criteria: ACMG Guidelines, 2007. Collection method: clinical testing. Allele origin: germline. Inheritance: Autosomal dominant inheritance. Affected: yes.

Inherited Neuropathy Consortium Ii, University Of Miami
Classification: Uncertain significance for Charcot-Marie-Tooth disease dominant intermediate B. Last evaluated: 2016-01-06. Review status: no assertion criteria provided. Collection method: literature only. Allele origin: germline. Affected: yes. Not counted in ClinVar's aggregate classification.

Literature cited by the submitters: PubMed 22396310 (cited by Labcorp Genetics (formerly Invitae), Labcorp and Inherited Neuropathy Consortium Ii, University Of Miami); PubMed 23394783 (cited by Labcorp Genetics (formerly Invitae), Labcorp); PubMed 36324371 (cited by Labcorp Genetics (formerly Invitae), Labcorp).

NM_001005361.3(DNM2):c.1880C>G (p.Pro627Arg)

Gene: DNM2 (dynamin 2; plus strand). Cytogenetic location: 19p13.2.
Variant type: single nucleotide variant.
Coding change: c.1880C>G on transcript NM_001005361.3 (MANE Select); coding-DNA position 1880, C replaced by G.
Protein change: p.Pro627Arg; replaces proline 627 with arginine.
Molecular consequence: missense variant.
Genome position (GRCh38, 1-based): chr19:10,823,886, C>G. VCF-style: chr19-10823886-C-G. GRCh37 (hg19) VCF-style: chr19-10934562-C-G.
Other names: c.1880C>G, p.Pro627Arg (NM_001005360.3, NM_001190716.2); c.1868C>G, p.Pro623Arg (NM_001005362.3, NM_004945.4); short protein forms P627R, P623R.
Identifiers: ClinVar variation 158520 (VCV000158520.10), dbSNP rs587783598, ClinGen allele CA172114.
Genomic context (GRCh38, chr19:10,823,886, plus strand): 5'-GTGACTCCCAGGAAGACGTGGACAGCTGGAAGGCCTCGTTCCTCCGAGCTGGCGTCTACC[C>G]CGAGAAGGACCAGGTGAGGAGCCGTCCTGCGCAGCCAGGCCCAGAGCCCCCACCTGGGAG-3'
Protein context (NP_001005361.1, residues 617-637): KASFLRAGVY[Pro627Arg]EKDQAENEDG